The following is an entry in ClinVar:

ClinVar aggregate classification (germline): Benign/Likely benign. Review status: criteria provided, multiple submitters, no conflicts (2 of 4 stars). 18 submissions from 16 submitters: Benign (6); Likely benign (7). 5 of the submissions do not count toward it. Last evaluated 2026-09-01.

Conditions:
Spinocerebellar ataxia, autosomal recessive, with axonal neuropathy 2 (SCAN2). Also called: Ataxia with Oculomotor Apraxia Type 2; Ataxia with Oculomotor Apraxia; ATAXIA-OCULOMOTOR APRAXIA 2; Ataxia-ocular apraxia-2. Identifiers: Orphanet 64753, MedGen C1853761, MONDO:0018996, OMIM 606002.
Amyotrophic lateral sclerosis type 4 (ALS4). Also called: AMYOTROPHIC LATERAL SCLEROSIS 4, JUVENILE; NEURONOPATHY, DISTAL HEREDITARY MOTOR, WITH PYRAMIDAL FEATURES. Identifiers: Orphanet 357043, MedGen C1865409, MONDO:0011223, OMIM 602433.
Hereditary spastic paraplegia. Also called: Familial spastic paraparesis. Identifiers: Orphanet 685, MedGen C0037773, MONDO:0019064. Disease mechanism: loss of function.

Allele frequency attached by ClinVar (database versions not stated): TOPMed 0.00214; gnomAD 0.00250 and 0.00332; ESP Exome Variant Server 0.00315; gnomAD exomes 0.00460 and 0.00549; 1000 Genomes Project 30x 0.00500; 1000 Genomes Project 0.00579; ExAC 0.00584.
gnomAD v4.1: 7,279 of 1,614,194 alleles (0.45%); highest among the groups gnomAD compares: South Asian, 2.1%; 58 homozygotes.

Submissions (18):

CeGaT Center for Human Genetics Tuebingen
Classification: Benign. Last evaluated: 2026-09-01. Review status: criteria provided, single submitter. Criteria: CeGaT Center For Human Genetics Tuebingen Variant Classification Criteria Version 2. Collection method: clinical testing. Allele origin: germline. Affected: yes. Observed: 19 variant alleles.
Comment: SETX: BS1, BS2

Labcorp Genetics (formerly Invitae), Labcorp
Classification: Benign for Amyotrophic lateral sclerosis type 4; Spinocerebellar ataxia, autosomal recessive, with axonal neuropathy 2. Last evaluated: 2026-01-26. Review status: criteria provided, single submitter. Criteria: Invitae Variant Classification Sherloc (09022015). Collection method: clinical testing. Allele origin: germline.

ARUP Laboratories, Molecular Genetics and Genomics, ARUP Laboratories
Classification: Benign. Last evaluated: 2024-07-12. Review status: criteria provided, single submitter. Criteria: ARUP Molecular Germline Variant Investigation Process 2024. Collection method: clinical testing. Allele origin: germline.

Genome-Nilou Lab
Classification: Likely benign for Spinocerebellar ataxia, autosomal recessive, with axonal neuropathy 2. Last evaluated: 2023-02-08. Review status: criteria provided, single submitter. Criteria: ACMG Guidelines, 2015. Collection method: clinical testing. Allele origin: germline.

Genome-Nilou Lab
Classification: Likely benign for Amyotrophic lateral sclerosis type 4. Last evaluated: 2023-02-08. Review status: criteria provided, single submitter. Criteria: ACMG Guidelines, 2015. Collection method: clinical testing. Allele origin: germline.

Genome Diagnostics Laboratory, The Hospital for Sick Children
Classification: Likely benign for Hereditary spastic paraplegia. Last evaluated: 2020-10-15. Review status: criteria provided, single submitter. Criteria: ACMG Guidelines, 2015. Collection method: clinical testing. Allele origin: germline. Affected: yes.

Athena Diagnostics
Classification: Benign. Last evaluated: 2019-07-10. Review status: criteria provided, single submitter. Criteria: Athena Diagnostics Criteria. Collection method: clinical testing. Allele origin: germline.

GeneDx
Classification: Benign. Last evaluated: 2018-10-30. Review status: criteria provided, single submitter. Criteria: GeneDx Variant Classification Process June 2021. Collection method: clinical testing. Allele origin: germline. Affected: yes.
Comment: This variant is associated with the following publications: (PMID: 28160950, 30054184, 30010942, 29605155, 21190393, 23129421)

Illumina Laboratory Services, Illumina
Classification: Likely benign for Amyotrophic lateral sclerosis type 4. Last evaluated: 2017-04-27. Review status: criteria provided, single submitter. Criteria: ICSL Variant Classification Criteria 13 December 2019. Collection method: clinical testing. Allele origin: germline.
Comment: This variant was observed as part of a predisposition screen in an ostensibly healthy population. A literature search was performed for the gene, cDNA change, and amino acid change (where applicable). No publications were found based on this search. Allele frequency data from public databases allowed determination this variant is unlikely to cause disease. Therefore, this variant is classified as likely benign.

Illumina Laboratory Services, Illumina
Classification: Likely benign for Spinocerebellar ataxia, autosomal recessive, with axonal neuropathy 2. Last evaluated: 2017-04-27. Review status: criteria provided, single submitter. Criteria: ICSL Variant Classification Criteria 13 December 2019. Collection method: clinical testing. Allele origin: germline.
Comment: the same text as in the submission from Illumina Laboratory Services, Illumina above.

Mayo Clinic Laboratories, Mayo Clinic
Classification: Benign. Last evaluated: 2016-04-21. Review status: criteria provided, single submitter. Criteria: ACMG Guidelines, 2015. Collection method: clinical testing. Allele origin: germline. Observed: 14 variant alleles.

Breakthrough Genomics
Classification: Likely benign. Review status: criteria provided, single submitter. Criteria: ACMG Guidelines, 2015. Collection method: not provided. Allele origin: germline. Inheritance: Autosomal recessive inheritance. Affected: yes.

PreventionGenetics, part of Exact Sciences
Classification: Likely benign. Review status: criteria provided, single submitter. Criteria: ACMG Guidelines, 2015. Collection method: clinical testing. Allele origin: germline.

Clinical Genetics DNA and cytogenetics Diagnostics Lab, Erasmus MC, Erasmus Medical Center
Classification: Likely benign. Review status: no assertion criteria provided. Collection method: clinical testing. Allele origin: germline. Affected: yes. Study: VKGL Data-share Consensus. Not counted in ClinVar's aggregate classification.

Clinical Genetics, Academic Medical Center
Classification: Benign. Review status: no assertion criteria provided. Collection method: clinical testing. Allele origin: germline. Affected: yes. Study: VKGL Data-share Consensus. Not counted in ClinVar's aggregate classification.

Genome Diagnostics Laboratory, Amsterdam University Medical Center
Classification: Likely benign. Review status: no assertion criteria provided. Collection method: clinical testing. Allele origin: germline. Affected: yes. Study: VKGL Data-share Consensus. Not counted in ClinVar's aggregate classification.

Genome Diagnostics Laboratory, University Medical Center Utrecht
Classification: Likely benign. Review status: no assertion criteria provided. Collection method: clinical testing. Allele origin: germline. Affected: yes. Study: VKGL Data-share Consensus. Not counted in ClinVar's aggregate classification.

Laboratory of Diagnostic Genome Analysis, Leiden University Medical Center (LUMC)
Classification: Likely benign. Review status: no assertion criteria provided. Collection method: clinical testing. Allele origin: germline. Affected: yes. Study: VKGL Data-share Consensus. Not counted in ClinVar's aggregate classification.

Literature cited by the submitters: PubMed 21190393 (cited by Athena Diagnostics); PubMed 22088787 (cited by Athena Diagnostics); PubMed 25382069 (cited by Athena Diagnostics); PubMed 23129421 (cited by Athena Diagnostics).

NM_015046.7(SETX):c.4660T>G (p.Cys1554Gly)

Gene: SETX (senataxin; minus strand). Cytogenetic location: 9q34.13.
Variant type: single nucleotide variant.
Coding change: c.4660T>G on transcript NM_015046.7 (MANE Select); coding-DNA position 4660, T replaced by G.
Protein change: p.Cys1554Gly; replaces cysteine 1554 with glycine.
Molecular consequence: missense variant.
Genome position (GRCh38, 1-based): chr9:132,326,938, A>C on the plus strand (T>G on the coding strand, the complement: SETX is on the minus strand). VCF-style: chr9-132326938-A-C. GRCh37 (hg19) VCF-style: chr9-135202325-A-C.
Other names: c.4660T>G, p.Cys1554Gly (NM_001351527.2, NM_001351528.2); short protein forms C1554G.
Identifiers: ClinVar variation 260505 (VCV000260505.96), dbSNP rs112089123, ClinGen allele CA5297159.